The following is an entry in ClinVar:

ClinVar aggregate classification (germline): Benign/Likely benign. Review status: criteria provided, multiple submitters, no conflicts (2 of 4 stars). 9 submissions from 9 submitters: Benign (7); Likely benign (1). 1 of the submissions does not count toward it. Last evaluated 2026-02-04.

Conditions:
Hepatic veno-occlusive disease-immunodeficiency syndrome. Also called: Hepatic Veno-Occlusive Disease with Immunodeficiency. Identifiers: Orphanet 79124, MedGen C1856128, MONDO:0009338, OMIM 235550. Disease mechanism: loss of function.
Mycobacterium tuberculosis, susceptibility to. Identifiers: MedGen C1834752, OMIM 607948.

Allele frequency attached by ClinVar (database versions not stated): gnomAD 0.86768 and 0.87175; gnomAD exomes 0.87178; TOPMed 0.87264; 1000 Genomes Project 30x 0.90053; 1000 Genomes Project 0.90395.
gnomAD v4.1: 1,406,866 of 1,613,516 alleles (87%); highest among the groups gnomAD compares: East Asian, 100%; 614,159 homozygotes.

Submissions (9):

Labcorp Genetics (formerly Invitae), Labcorp
Classification: Benign for Hepatic veno-occlusive disease-immunodeficiency syndrome. Last evaluated: 2026-02-04. Review status: criteria provided, single submitter. Criteria: Invitae Variant Classification Sherloc (09022015). Collection method: clinical testing. Allele origin: germline.

Mayo Clinic Laboratories, Mayo Clinic
Classification: Benign. Last evaluated: 2025-08-12. Review status: criteria provided, single submitter. Criteria: ACMG Guidelines, 2015. Collection method: clinical testing. Allele origin: germline. Observed: 5 variant alleles.
Comment: BA1

Blueprint Genetics
Classification: Likely benign. Last evaluated: 2024-11-26. Review status: criteria provided, single submitter. Criteria: ACMG Guidelines, 2015. Collection method: clinical testing. Allele origin: germline.

Unidad de Genómica Garrahan, Hospital de Pediatría Garrahan
Classification: Benign. Last evaluated: 2024-01-24. Review status: criteria provided, single submitter. Criteria: ACMG Guidelines, 2015. Collection method: clinical testing. Allele origin: germline. Affected: no. Observed: 93 variant alleles.
Comment: This variant is classified as Benign based on local population frequency. This variant was detected in 98% of patients studied by a panel of primary immunodeficiencies. Number of patients: 93. Only high quality variants are reported.

Women's Health and Genetics/Laboratory Corporation of America, LabCorp
Classification: Benign. Last evaluated: 2021-12-03. Review status: criteria provided, single submitter. Criteria: LabCorp Variant Classification Summary - May 2015. Collection method: clinical testing. Allele origin: germline.

Genome-Nilou Lab
Classification: Benign for Hepatic veno-occlusive disease-immunodeficiency syndrome. Last evaluated: 2021-07-15. Review status: criteria provided, single submitter. Criteria: ACMG Guidelines, 2015. Collection method: clinical testing. Allele origin: germline. Affected: no.

Laboratory for Molecular Medicine, Mass General Brigham Personalized Medicine
Classification: Benign. Last evaluated: 2016-03-29. Review status: criteria provided, single submitter. Criteria: LMM Criteria. Collection method: clinical testing. Allele origin: germline.
Comment: Variant identified in a genome or exome case(s) and assessed due to predicted null impact of the variant or pathogenic assertions in the literature or databases. Disclaimer: This variant has not undergone full assessment. The following are preliminary notes: Frequency

Breakthrough Genomics
Classification: Benign. Review status: criteria provided, single submitter. Criteria: ACMG Guidelines, 2015. Collection method: not provided. Allele origin: germline. Inheritance: Autosomal recessive inheritance. Affected: yes.

OMIM
Classification: Uncertain significance for RECLASSIFIED - VARIANT OF UNKNOWN SIGNIFICANCE. Last evaluated: 2007-04-01. Review status: no assertion criteria provided. Collection method: literature only. Allele origin: germline. Not counted in ClinVar's aggregate classification.

Literature cited by the submitters: PubMed 16816019 (cited by OMIM); PubMed 17149599 (cited by OMIM); PubMed 16803959 (cited by OMIM).

NM_080424.4(SP110):c.1274T>C (p.Leu425Ser)

Gene: SP110 (SP110 nuclear body protein; minus strand). Cytogenetic location: 2q37.1.
Variant type: single nucleotide variant.
Coding change: c.1274T>C on transcript NM_080424.4 (MANE Select); coding-DNA position 1274, T replaced by C.
Protein change: p.Leu425Ser; replaces leucine 425 with serine.
Molecular consequence: missense variant. On other transcripts: no sequence alteration (2).
Genome position (GRCh38, 1-based): chr2:230,185,999, A>G on the plus strand (T>C on the coding strand, the complement: SP110 is on the minus strand). VCF-style: chr2-230185999-A-G. GRCh37 (hg19) VCF-style: chr2-231050715-A-G.
Other names: SP110, LEU425SER (rs3948464); p.Leu425Ser; c.1274T>C (NM_004509.4); c.1274T>C, p.Ser425= (NM_080424.2); c.1292T>C, p.Leu431Ser (NM_001185015.2, NM_001378442.1, NM_001378444.1 and 2 more transcripts); c.1274T>C, p.Leu425Ser (NM_001378443.1, NM_004509.5, NM_004510.4); c.1124T>C, p.Leu375Ser (NM_001378447.1); c.1274C=, p.Ser425= (NM_080424.2); short protein forms L425S, L431S, L375S.
Identifiers: ClinVar variation 5539 (VCV000005539.21), dbSNP rs3948464, ClinGen allele CA117579.